The following is an entry in ClinVar:

ClinVar aggregate classification (germline): Uncertain significance (1 of 4 stars; one submission).

Conditions:
Neurodevelopmental disorder with hypotonia, brain anomalies, distinctive facies, and absent language. Also called: ReNU SYNDROME; RNU4-2-Related Neurodevelopmental Disorder; RNU4-2–Related Autosomal Dominant Neurodevelopmental Disorder. Identifiers: Orphanet 686488, MedGen C5935628, MONDO:0971172, OMIM 620851.

Submission:

Centre for Population Genomics, CPG
Classification: Uncertain significance for RNU4-2-Related Neurodevelopmental Disorder. Last evaluated: 2026-02-11. Review status: criteria provided, single submitter. Criteria: Ellingford et al. (Genome Med. 2022). Collection method: research. Allele origin: germline. Inheritance: Autosomal recessive inheritance. Affected: yes. Observed: 2 variant alleles, 2 compound heterozygotes.
Comment: PM2_supp,PS3_supp,PM5,PP4

NR_003137.3(RNU4-2):n.50G>A

Genes: RNU4-2 (RNA, U4 small nuclear 2; minus strand), SIRT4 (sirtuin 4; plus strand). Cytogenetic location: 12q24.23.
Variant type: single nucleotide variant.
Molecular consequence: non-coding transcript variant (on NR_003137.3).
Genome position: GRCh38 VCF-style: chr12-120291854-C-T. GRCh37 (hg19) VCF-style: chr12-120729657-C-T.
Identifiers: ClinVar variation 4795820 (VCV004795820.1).